The following is an entry in ClinVar:

NM_000214.3(JAG1):c.2650C>T (p.Gln884Ter)

Gene: JAG1 (jagged canonical Notch ligand 1; minus strand). Cytogenetic location: 20p12.2.
Variant type: single nucleotide variant.
Coding change: c.2650C>T on transcript NM_000214.3 (MANE Select); coding-DNA position 2650, C replaced by T.
Protein change: p.Gln884Ter; replaces glutamine 884 with a stop codon.
Molecular consequence: nonsense.
Genome position (GRCh38, 1-based): chr20:10,641,815, G>A on the plus strand (C>T on the coding strand, the complement: JAG1 is on the minus strand). VCF-style: chr20-10641815-G-A. GRCh37 (hg19) VCF-style: chr20-10622463-G-A.
Other names: short protein forms Q884*.
Identifiers: ClinVar variation 1333228 (VCV001333228.7), dbSNP rs2122597239, ClinGen allele CA408245278.

ClinVar aggregate classification (germline): Pathogenic. Review status: criteria provided, multiple submitters, no conflicts (2 of 4 stars). 2 submissions from 2 submitters: Pathogenic (2). Last evaluated 2022-01-03.

Conditions:
Alagille syndrome due to a JAG1 point mutation. Also called: Alagille Syndrome 1; HEPATIC DUCTULAR HYPOPLASIA, SYNDROMATIC; JAG1-Related Alagille Syndrome. Identifiers: Orphanet 261619, Orphanet 52, MedGen C1956125, MONDO:0016862, OMIM 118450.

Submissions (2):

3billion
Classification: Pathogenic for Alagille syndrome due to a JAG1 point mutation. Last evaluated: 2022-01-03. Review status: criteria provided, single submitter. Criteria: ACMG Guidelines, 2015. Collection method: clinical testing. Allele origin: germline. Affected: yes. Observed: 1 heterozygote.
Comment: Stop-gained (nonsense): predicted to result in a loss or disruption of normal protein function through nonsense-mediated decay (NMD) or protein truncation. Multiple pathogenic variants are reported downstream of the variant (PVS1_VS). It is not observed in the gnomAD v2.1.1 dataset (PM2_M). The variant has been reported to be associated with JAG1 related disorder (PMID:17241866).Therefore, this variant is classified as pathogenic according to the recommendation of ACMG/AMP guideline.

Labcorp Genetics (formerly Invitae), Labcorp
Classification: Pathogenic for Alagille syndrome due to a JAG1 point mutation. Last evaluated: 2021-11-04. Review status: criteria provided, single submitter. Criteria: Invitae Variant Classification Sherloc (09022015). Collection method: clinical testing. Allele origin: germline.
Comment: For these reasons, this variant has been classified as Pathogenic. This premature translational stop signal has been observed in individual(s) with Alagille syndrome (PMID: 17241866). This variant is not present in population databases (gnomAD no frequency). This sequence change creates a premature translational stop signal (p.Gln884*) in the JAG1 gene. It is expected to result in an absent or disrupted protein product. Loss-of-function variants in JAG1 are known to be pathogenic (PMID: 11180599).

Literature cited by the submitters: PubMed 17241866 (cited by 3billion and Labcorp Genetics (formerly Invitae), Labcorp); PubMed 11180599 (cited by Labcorp Genetics (formerly Invitae), Labcorp).